The following is an entry in ClinVar:

ClinVar aggregate classification (germline): Uncertain significance. Review status: criteria provided, multiple submitters, no conflicts (2 of 4 stars). 2 submissions from 2 submitters: Uncertain significance (2). Last evaluated 2025-12-06.

Conditions:
Hereditary cancer-predisposing syndrome. Also called: Hereditary neoplastic syndrome; Tumor predisposition; Neoplastic Syndromes, Hereditary; Hereditary Cancer Syndrome. Identifiers: Orphanet 140162, MedGen C0027672, MeSH D009386, MONDO:0015356.
Neuroblastoma, susceptibility to, 3. Also called: ALK-Related Neuroblastic Tumor Susceptibility. Identifiers: Orphanet 635, MedGen C2751681, MONDO:0013083, OMIM 613014.

Allele frequency attached by ClinVar (database versions not stated): TOPMed below 0.00001; gnomAD exomes 0.00001.
gnomAD v4.1: 14 of 1,614,020 alleles (0.00087%); highest among the groups gnomAD compares: Non-Finnish European, 0.0012%; no homozygotes.

Submissions (2):

Labcorp Genetics (formerly Invitae), Labcorp
Classification: Uncertain significance for Neuroblastoma, susceptibility to, 3. Last evaluated: 2025-12-06. Review status: criteria provided, single submitter. Criteria: Invitae Variant Classification Sherloc (09022015). Collection method: clinical testing. Allele origin: germline.
Comment: This sequence change replaces leucine, which is neutral and non-polar, with proline, which is neutral and non-polar, at codon 376 of the ALK protein (p.Leu376Pro). This variant is present in population databases (no rsID available, gnomAD 0.002%). This variant has not been reported in the literature in individuals affected with ALK-related conditions. ClinVar contains an entry for this variant (Variation ID: 855412). An algorithm developed to predict the effect of missense changes on protein structure and function outputs the following: PolyPhen-2: "Benign". The proline amino acid residue is found in multiple mammalian species, which suggests that this missense change does not adversely affect protein function. In summary, the available evidence is currently insufficient to determine the role of this variant in disease. Therefore, it has been classified as a Variant of Uncertain Significance.

Ambry Genetics
Classification: Uncertain significance for Hereditary cancer-predisposing syndrome. Last evaluated: 2024-03-28. Review status: criteria provided, single submitter. Criteria: Ambry Variant Classification Scheme 2023. Collection method: clinical testing. Allele origin: germline.
Comment: The p.L376P variant (also known as c.1127T>C), located in coding exon 4 of the ALK gene, results from a T to C substitution at nucleotide position 1127. The leucine at codon 376 is replaced by proline, an amino acid with similar properties. This amino acid position is conserved. In addition, this alteration is predicted to be tolerated by in silico analysis. Since supporting evidence is limited at this time, the clinical significance of this alteration remains unclear.

NM_004304.5(ALK):c.1127T>C (p.Leu376Pro)

Gene: ALK (ALK receptor tyrosine kinase; minus strand). Cytogenetic location: 2p23.2.
Variant type: single nucleotide variant.
Coding change: c.1127T>C on transcript NM_004304.5 (MANE Select); coding-DNA position 1127, T replaced by C.
Protein change: p.Leu376Pro; replaces leucine 376 with proline.
Molecular consequence: missense variant.
Genome position (GRCh38, 1-based): chr2:29,531,942, A>G on the plus strand (T>C on the coding strand, the complement: ALK is on the minus strand). VCF-style: chr2-29531942-A-G. GRCh37 (hg19) VCF-style: chr2-29754808-A-G.
Other names: short protein forms L376P.
Identifiers: ClinVar variation 855412 (VCV000855412.13), dbSNP rs966612700, ClinGen allele CA44957086.